The following is an entry in ClinVar:

NM_001754.5(RUNX1):c.56G>A (p.Arg19Lys)

Gene: RUNX1 (RUNX family transcription factor 1; minus strand). Cytogenetic location: 21q22.12.
Variant type: single nucleotide variant.
Coding change: c.56G>A on transcript NM_001754.5 (MANE Select); coding-DNA position 56, G replaced by A.
Protein change: p.Arg19Lys; replaces arginine 19 with lysine.
Molecular consequence: missense variant.
Genome position (GRCh38, 1-based): chr21:35,048,844, C>T on the plus strand (G>A on the coding strand, the complement: RUNX1 is on the minus strand). VCF-style: chr21-35048844-C-T. GRCh37 (hg19) VCF-style: chr21-36421141-C-T.
Other names: NM_001754.4(RUNX1):c.56G>A; p.Arg19Lys; short protein forms R19K.
Identifiers: ClinVar variation 409814 (VCV000409814.22), dbSNP rs759078185, ClinGen allele CA10014724.

ClinVar aggregate classification (germline): Uncertain significance. Review status: reviewed by expert panel (3 of 4 stars). 7 submissions from 7 submitters: Uncertain significance (1). 6 of the submissions do not count toward it. Last evaluated 2024-08-12.

Conditions:
Hereditary thrombocytopenia and hematologic cancer predisposition syndrome. Identifiers: Orphanet 71290, MedGen CN281654, MONDO:0011071.
Inborn genetic diseases. Identifiers: MedGen C0950123, MeSH D030342.
Acute myeloid leukemia (AML). Also called: Leukemia, acute myeloid, somatic; Leukemia, acute myelogenous, somatic; Acute myeloid leukemia, adult; AML adult; Acute non-lymphocytic leukemia; Acute granulocytic leukemia. Identifiers: Orphanet 519, MedGen C0023467, MeSH D015470, MONDO:0018874, OMIM 601626, HP:0004808. Disease mechanism: Constitutively activated FLT3.
Hereditary thrombocytopenia and hematological cancer predisposition syndrome associated with RUNX1. Also called: Familial thrombocytopenia with propensity to acute myelogenous leukemia; Familial Platelet Disorder with Propensity to Acute Myelogenous Leukemia; PLATELET DISORDER, ASPIRIN-LIKE; RUNX1 Familial Platelet Disorder with Associated Myeloid Malignancies. Identifiers: Orphanet 71290, MedGen C1832388, MeSH C563324, MONDO:0100083, OMIM 601399.

Allele frequency attached by ClinVar (database versions not stated): ExAC 0.00003; gnomAD exomes 0.00003 and 0.00007; TOPMed 0.00003; gnomAD 0.00004.
gnomAD v4.1: 107 of 1,613,286 alleles (0.0066%); highest among the groups gnomAD compares: Non-Finnish European, 0.0087%; no homozygotes.

Submissions (7):

ClinGen Myeloid Malignancy Variant Curation Expert Panel
Classification: Uncertain significance for Hereditary thrombocytopenia and hematologic cancer predisposition syndrome. Last evaluated: 2024-08-12. Review status: reviewed by expert panel. Criteria: ClinGen MyeloMalig ACMG Specifications v2. Collection method: curation. Allele origin: germline. Inheritance: Autosomal dominant inheritance.
Comment: NM_001754.4(RUNX1):c.56G>A (p.Arg19Lys) is a missense variant predicted to cause substitution of arginine by lysine at amino acid 19 (p.R19K); note that this variant is in the 5' UTR, c.-161732G>A, of NM_001001890.3. The highest population minor allele frequency in gnomAD v2 is 0.006966% (9/129192 alleles) in the non-Finnish European population, and the variant has also been reported in 1/1358 controls from a study evaluating 57 individuals with cutaneous melanoma and 2 other primaries (PMID: 29641532, Supplementary Table 3). To our knowledge, functional assays have not been reported for this variant, but the computational predictor REVEL gives a score of 0.456, which is below the threshold of 0.50, and the splice site predictor SpliceAI indicated that the variant has no impact on splicing, evidence that does not predict a damaging effect on RUNX1 function (BP4). In summary, this variant meets the criteria to be classified as a variant of uncertain significance for autosomal dominant hereditary thrombocytopenia and hematologic cancer predisposition syndrome based on the ACMG/AMP criteria applied, as specified by the ClinGen Myeloid Malignancy-VCEP: BP4.

St. Jude Molecular Pathology, St. Jude Children's Research Hospital
Classification: Uncertain significance for Hereditary thrombocytopenia and hematological cancer predisposition syndrome associated with RUNX1. Last evaluated: 2026-02-11. Review status: criteria provided, single submitter. Criteria: St. Jude Assertion Criteria 2020. Collection method: clinical testing. Allele origin: germline. Not counted in ClinVar's aggregate classification.
Comment: The RUNX1 c.56G>A p.(Arg19Lys) missense change has a maximum subpopulation frequency of 0.007% in gnomAD v2.1.1. The in silico tool REVEL is inconclusive about a pathogenic or benign effect of this variant on protein function, and to our knowledge functional studies have not been performed. This variant has been reported in the literature in an individual with AML (PMID: 31367767). In summary, the evidence currently available is insufficient to determine the clinical significance of this variant. It has therefore been classified as of uncertain significance.

Labcorp Genetics (formerly Invitae), Labcorp
Classification: Uncertain significance for Hereditary thrombocytopenia and hematological cancer predisposition syndrome associated with RUNX1. Last evaluated: 2025-11-10. Review status: criteria provided, single submitter. Criteria: Invitae Variant Classification Sherloc (09022015). Collection method: clinical testing. Allele origin: germline. Not counted in ClinVar's aggregate classification.
Comment: This sequence change replaces arginine, which is basic and polar, with lysine, which is basic and polar, at codon 19 of the RUNX1 protein (p.Arg19Lys). This variant is present in population databases (rs759078185, gnomAD 0.007%). This variant has not been reported in the literature in individuals affected with RUNX1-related conditions. ClinVar contains an entry for this variant (Variation ID: 409814). An algorithm developed to predict the effect of missense changes on protein structure and function (PolyPhen-2) suggests that this variant is likely to be tolerated. In summary, the available evidence is currently insufficient to determine the role of this variant in disease. Therefore, it has been classified as a Variant of Uncertain Significance.

Ambry Genetics
Classification: Uncertain significance for Inborn genetic diseases. Last evaluated: 2025-02-05. Review status: criteria provided, single submitter. Criteria: Ambry Variant Classification Scheme 2023. Collection method: clinical testing. Allele origin: germline. Not counted in ClinVar's aggregate classification.
Comment: The p.R19K variant (also known as c.56G>A), located in coding exon 1 of the RUNX1 gene, results from a G to A substitution at nucleotide position 56. The arginine at codon 19 is replaced by lysine, an amino acid with highly similar properties. This amino acid position is highly conserved in available vertebrate species. In addition, the in silico prediction for this alteration is inconclusive. Based on the available evidence, the clinical significance of this variant remains unclear.

Baylor Genetics
Classification: Uncertain significance for Acute myeloid leukemia. Last evaluated: 2024-03-05. Review status: criteria provided, single submitter. Criteria: ACMG Guidelines, 2015. Collection method: clinical testing. Allele origin: unknown. Not counted in ClinVar's aggregate classification.

GeneDx
Classification: Uncertain significance. Last evaluated: 2023-11-26. Review status: criteria provided, single submitter. Criteria: GeneDx Variant Classification Process June 2021. Collection method: clinical testing. Allele origin: germline. Not counted in ClinVar's aggregate classification.
Comment: In silico analysis supports that this missense variant has a deleterious effect on protein structure/function; Has not been previously published as pathogenic or benign to our knowledge

Genetic Services Laboratory, University of Chicago
Classification: Uncertain significance. Last evaluated: 2020-04-28. Review status: criteria provided, single submitter. Criteria: ACMG Guidelines, 2015. Collection method: clinical testing. Allele origin: germline. Affected: no. Not counted in ClinVar's aggregate classification.
Comment: DNA sequence analysis of the RUNX1 gene demonstrated a sequence change, c.56G>A, in exon 2 that results in an amino acid change, p.Arg19Lys. This sequence change does not appear to have been previously described in patients with RUNX1-related disorders and has been described in the gnomAD database with a low population frequency of 0.0032% (dbSNP rs759078185). The p.Arg19Lys change affects a poorly conserved amino acid residue located in a domain of the RUNX1 protein that is known to be functional. In-silico pathogenicity prediction tools (SIFT, PolyPhen2, Align GVGD, REVEL) provide contradictory results for the p.Arg19Lys substitution. Due to these contrasting evidences and the lack of functional studies, the clinical significance of the p.Arg19Lys change remains unknown at this time.